The following is an entry in ClinVar:

ClinVar aggregate classification (germline): Uncertain significance (1 of 4 stars; one submission).

Conditions:
PLXNA1-related disorder. Also called: PLXNA1-related condition.

gnomAD v4.1: 14 of 1,610,364 alleles (0.00087%); highest among the groups gnomAD compares: African/African-American, 0.0013%; no homozygotes.

Submission:

PreventionGenetics, part of Exact Sciences
Classification: Uncertain significance for PLXNA1-related condition. Last evaluated: 2026-08-03. Review status: criteria provided, single submitter. Criteria: ACMG Guidelines, 2015. Collection method: clinical testing. Allele origin: germline.
Comment: The PLXNA1 c.1331G>T variant is predicted to result in the amino acid substitution p.Gly444Val. To our knowledge, this variant has not been reported in the literature. This variant is reported in 0.0018% of alleles in individuals of European (Non-Finnish) descent in gnomAD. At this time, the clinical significance of this variant is uncertain due to the absence of conclusive functional and genetic evidence.

NM_032242.4(PLXNA1):c.1331G>T (p.Gly444Val)

Gene: PLXNA1 (plexin A1; plus strand). Cytogenetic location: 3q21.3.
Variant type: single nucleotide variant.
Coding change: c.1331G>T on transcript NM_032242.4 (MANE Select); coding-DNA position 1331, G replaced by T.
Protein change: p.Gly444Val; replaces glycine 444 with valine.
Molecular consequence: missense variant.
Genome position (GRCh38, 1-based): chr3:126,991,520, G>T. VCF-style: chr3-126991520-G-T. GRCh37 (hg19) VCF-style: chr3-126710363-G-T.
Other names: short protein forms G444V.
Identifiers: ClinVar variation 4977454 (VCV004977454.1).